The following is an entry in ClinVar:

NM_004385.5(VCAN):c.7159T>G (p.Ser2387Ala)

Genes: VCAN (versican; plus strand), VCAN-AS1 (VCAN antisense RNA 1; minus strand). Cytogenetic location: 5q14.3.
Variant type: single nucleotide variant.
Coding change: c.7159T>G on transcript NM_004385.5 (MANE Select); coding-DNA position 7159, T replaced by G.
Protein change: p.Ser2387Ala; replaces serine 2387 with alanine.
Molecular consequence: missense variant. On other transcripts: intron variant (2).
Genome position (GRCh38, 1-based): chr5:83,540,162, T>G. VCF-style: chr5-83540162-T-G. GRCh37 (hg19) VCF-style: chr5-82835981-T-G.
Other names: c.4198T>G, p.Ser1400Ala (NM_001164097.2); c.4004-5375T>G (NM_001164098.2); c.1043-5375T>G (NM_001126336.3); short protein forms S1400A, S2387A.
Identifiers: ClinVar variation 4779417 (VCV004779417.1).
Genomic context (GRCh38, chr5:83,540,162, plus strand): 5'-GAAGAAATCCAGACTAGTAGACCACAAACCATAACTGAACAAGACTCTAACAAGAATTCT[T>G]CAACAGCAGAAATTAACGAAACAACAACCTCATCTACTGATTTTCTGGCTAGAGCTTATG-3'
Protein context (NP_004376.2, residues 2377-2397): ITEQDSNKNS[Ser2387Ala]TAEINETTTS

ClinVar aggregate classification (germline): Uncertain significance (1 of 4 stars; one submission).

gnomAD v4.1: 2 of 1,613,974 alleles (0.00012%); highest among the groups gnomAD compares: Non-Finnish European, 0.00017%; no homozygotes.

Submission:

Labcorp Genetics (formerly Invitae), Labcorp
Classification: Uncertain significance. Last evaluated: 2025-05-21. Review status: criteria provided, single submitter. Criteria: Invitae Variant Classification Sherloc (09022015). Collection method: clinical testing. Allele origin: germline.
Comment: This sequence change replaces serine, which is neutral and polar, with alanine, which is neutral and non-polar, at codon 2387 of the VCAN protein (p.Ser2387Ala). This variant is not present in population databases (gnomAD no frequency). This variant has not been reported in the literature in individuals affected with VCAN-related conditions. An algorithm developed to predict the effect of missense changes on protein structure and function outputs the following: PolyPhen-2: "Benign". The alanine amino acid residue is found in multiple mammalian species, which suggests that this missense change does not adversely affect protein function. In summary, the available evidence is currently insufficient to determine the role of this variant in disease. Therefore, it has been classified as a Variant of Uncertain Significance.